The following is an entry in ClinVar:

NM_001873.4(CPE):c.97C>T (p.Pro33Ser)

Gene: CPE (carboxypeptidase E; plus strand). Cytogenetic location: 4q32.3.
Variant type: single nucleotide variant.
Coding change: c.97C>T on transcript NM_001873.4 (MANE Select); coding-DNA position 97, C replaced by T.
Protein change: p.Pro33Ser; replaces proline 33 with serine.
Molecular consequence: missense variant.
Genome position (GRCh38, 1-based): chr4:165,379,318, C>T. VCF-style: chr4-165379318-C-T. GRCh37 (hg19) VCF-style: chr4-166300470-C-T.
Other names: short protein forms P33S.
Identifiers: ClinVar variation 4997493 (VCV004997493.1).

ClinVar aggregate classification (germline): Uncertain significance (1 of 4 stars; one submission).

Conditions:
CPE-related disorder. Also called: CPE-related condition.

gnomAD v4.1: 1 of 1,560,930 alleles (0.000064%); no homozygotes.

Submission:

PreventionGenetics, part of Exact Sciences
Classification: Uncertain significance for CPE-related condition. Last evaluated: 2025-09-18. Review status: criteria provided, single submitter. Criteria: ACMG Guidelines, 2015. Collection method: clinical testing. Allele origin: germline.
Comment: The CPE c.97C>T variant is predicted to result in the amino acid substitution p.Pro33Ser. To our knowledge, this variant has not been reported in the literature or in a large population database (gnomAD), indicating this variant is rare. At this time, the clinical significance of this variant is uncertain due to the absence of conclusive functional and genetic evidence.